The following is an entry in ClinVar:

ClinVar aggregate classification (germline): Uncertain significance (1 of 4 stars; one submission).

Allele frequency attached by ClinVar (database versions not stated): gnomAD 0.00001; TOPMed 0.00001; gnomAD exomes 0.00002; ExAC 0.00005.

Submission:

Labcorp Genetics (formerly Invitae), Labcorp
Classification: Uncertain significance. Last evaluated: 2024-10-23. Review status: criteria provided, single submitter. Criteria: Invitae Variant Classification Sherloc (09022015). Collection method: clinical testing. Allele origin: germline.
Comment: This sequence change replaces asparagine, which is neutral and polar, with serine, which is neutral and polar, at codon 65 of the FZD4 protein (p.Asn65Ser). This variant is present in population databases (rs768413379, gnomAD 0.01%). This variant has not been reported in the literature in individuals affected with FZD4-related conditions. ClinVar contains an entry for this variant (Variation ID: 1917252). Invitae Evidence Modeling of protein sequence and biophysical properties (such as structural, functional, and spatial information, amino acid conservation, physicochemical variation, residue mobility, and thermodynamic stability) has been performed for this missense variant. However, the output from this modeling did not meet the statistical confidence thresholds required to predict the impact of this variant on FZD4 protein function. In summary, the available evidence is currently insufficient to determine the role of this variant in disease. Therefore, it has been classified as a Variant of Uncertain Significance.

NM_012193.4(FZD4):c.194A>G (p.Asn65Ser)

Gene: FZD4 (frizzled class receptor 4; minus strand). Cytogenetic location: 11q14.2.
Variant type: single nucleotide variant.
Coding change: c.194A>G on transcript NM_012193.4 (MANE Select); coding-DNA position 194, A replaced by G.
Protein change: p.Asn65Ser; replaces asparagine 65 with serine.
Molecular consequence: missense variant.
Genome position (GRCh38, 1-based): chr11:86,954,892, T>C on the plus strand (A>G on the coding strand, the complement: FZD4 is on the minus strand). VCF-style: chr11-86954892-T-C. GRCh37 (hg19) VCF-style: chr11-86665934-T-C.
Other names: short protein forms N65S.
Identifiers: ClinVar variation 1917252 (VCV001917252.5), dbSNP rs768413379, ClinGen allele CA6218515.